The following is an entry in ClinVar:

ClinVar aggregate classification (germline): Pathogenic (1 of 4 stars; one submission).

Conditions:
Mucopolysaccharidosis, MPS-II (MPS2). Also called: Hunter Syndrome; IDURONATE 2-SULFATASE DEFICIENCY; Mucopolysaccharidosis Type II; Mucopolysaccharidosis type 2; Attenuated MPS (subtype; formerly known as mild MPS II); Severe MPS II. Identifiers: Orphanet 580, Orphanet 79388, MedGen C0026705, MONDO:0010674, OMIM 309900.

Submission:

Laboratory of Diagnosis and Therapy of Lysosomal Disorders, University of Padova
Classification: Pathogenic for Mucopolysaccharidosis, MPS-II. Last evaluated: 2024-06-07. Review status: criteria provided, single submitter. Criteria: ACMG Guidelines, 2015. Collection method: literature only. Allele origin: germline. Affected: yes. Observed: 1 variant allele.
Comment: Absent from controls (or at low frequency) in gnomAD database (PM2_Moderate), Protein length changes in a nonrepeat region or stop–loss variants (PM4_Strong), Multiple lines of computational evidence support a deleterious effect (PP3_Supporting), Patient’s phenotype or family history highly specific for the disease (PP4_Strong)

Classification method: ACMG Guidelines [PMID:25741868] with modifications

Literature cited by the submitters: PubMed 36713083.

NM_000202.8(IDS):c.481_486del (p.Ser161_Ser162del)

Genes: IDS (iduronate 2-sulfatase; minus strand), LOC106050102 (IDS recombination region; plus strand). Cytogenetic location: Xq28.
Variant type: Deletion.
Coding change: c.481_486del on transcript NM_000202.8 (MANE Select); coding-DNA positions 481 to 486, 6 bases deleted (TCCTCT; older notation c.481_486delTCCTCT).
Protein change: p.Ser161_Ser162del.
Molecular consequence: inframe deletion. On other transcripts: non-coding transcript variant (1).
Genome position (GRCh38, 1-based): chrX:149,500,970-149,500,975, AGAGGA deleted on the plus strand (TCCTCT on the coding strand, the reverse complement: IDS is on the minus strand); deleting any 6 consecutive bases within chrX:149,500,970-149,500,977 gives the same sequence; the c. name uses the placement nearest the transcript's 3' end. VCF-style (leftmost placement, unchanged base first): chrX-149500969-CAGAGGA-C. GRCh37 (hg19) VCF-style: chrX-148582500-CAGAGGA-C.
Other names: c.211_216del, p.Ser71_Ser72del (NM_001166550.4); c.481_486del, p.Ser161_Ser162del (NM_006123.5).
Identifiers: ClinVar variation 3255751 (VCV003255751.2).
Genomic context (GRCh38, chrX:149,500,969, plus strand): 5'-AAGTGGTTCCTCTTCAGAAATGTCCCTTTCACAGCCTTACCTTAGTGTTTTCATACTTCT[CAGAGGA>C]AGGATGATAAGGTGGAAAAGACCAGCTATACGGAGAATCATCGGTATGGTTAGAAGATAT-3'